The following is an entry in ClinVar:

NM_001267550.2(TTN):c.37543+64C>T

Gene: TTN (titin; minus strand). Cytogenetic location: 2q31.2.
Variant type: single nucleotide variant.
Coding change: c.37543+64C>T on transcript NM_001267550.2 (MANE Select); 64 bases into the intron after coding-DNA position 37543, C replaced by T.
Molecular consequence: intron variant.
Genome position (GRCh38, 1-based): chr2:178,658,641, G>A on the plus strand (C>T on the coding strand, the complement: TTN is on the minus strand). VCF-style: chr2-178658641-G-A. GRCh37 (hg19) VCF-style: chr2-179523368-G-A.
Other names: c.13283-16324C>T (NM_003319.4); c.13859-16324C>T (NM_133437.4); c.13658-16324C>T (NM_133432.3); c.31741+364C>T (NM_133378.4); c.34522+364C>T (NM_001256850.1).
Identifiers: ClinVar variation 674340 (VCV000674340.2), dbSNP rs62178968, ClinGen allele CA60971890.

ClinVar aggregate classification (germline): Benign. Review status: criteria provided, multiple submitters, no conflicts (2 of 4 stars). 2 submissions from 2 submitters: Benign (2). Last evaluated 2018-06-16.

Allele frequency attached by ClinVar (database versions not stated): 1000 Genomes Project 0.06809; 1000 Genomes Project 30x 0.07355; gnomAD 0.13939.

Submissions (2):

GeneDx
Classification: Benign. Last evaluated: 2018-06-16. Review status: criteria provided, single submitter. Criteria: GeneDx Variant Classification (06012015). Collection method: clinical testing. Allele origin: germline. Affected: yes.
Comment: This variant is considered likely benign or benign based on one or more of the following criteria: it is a conservative change, it occurs at a poorly conserved position in the protein, it is predicted to be benign by multiple in silico algorithms, and/or has population frequency not consistent with disease.

Breakthrough Genomics
Classification: Benign. Review status: criteria provided, single submitter. Criteria: ACMG Guidelines, 2015. Collection method: not provided. Allele origin: germline. Inheritance: Autosomal recessive inheritance. Affected: yes.